The following is an entry in ClinVar:

NM_001145860.2(POP1):c.1298G>A (p.Arg433Gln)

Gene: POP1 (POP1 ribonuclease P/MRP subunit; plus strand). Cytogenetic location: 8q22.2.
Variant type: single nucleotide variant.
Coding change: c.1298G>A on transcript NM_001145860.2 (MANE Select); coding-DNA position 1298, G replaced by A.
Protein change: p.Arg433Gln; replaces arginine 433 with glutamine.
Molecular consequence: missense variant.
Genome position (GRCh38, 1-based): chr8:98,136,890, G>A. VCF-style: chr8-98136890-G-A. GRCh37 (hg19) VCF-style: chr8-99149118-G-A.
Other names: c.1298G>A, p.Arg433Gln (NM_001145861.2, NM_015029.3); short protein forms R433Q.
Identifiers: ClinVar variation 4141831 (VCV004141831.2).

ClinVar aggregate classification (germline): Uncertain significance. Review status: criteria provided, multiple submitters, no conflicts (2 of 4 stars). 2 submissions from 2 submitters: Uncertain significance (2). Last evaluated 2025-07-31.

Conditions:
Inborn genetic diseases. Identifiers: MedGen C0950123, MeSH D030342.

gnomAD v4.1: 32 of 1,613,816 alleles (0.002%); highest among the groups gnomAD compares: East Asian, 0.0022%; no homozygotes.

Submissions (2):

Ambry Genetics
Classification: Uncertain significance for Inborn genetic diseases. Last evaluated: 2025-07-31. Review status: criteria provided, single submitter. Criteria: Ambry Variant Classification Scheme 2023. Collection method: clinical testing. Allele origin: germline.

GeneDx
Classification: Uncertain significance. Last evaluated: 2025-06-02. Review status: criteria provided, single submitter. Criteria: GeneDx Variant Classification Process June 2021. Collection method: clinical testing. Allele origin: germline. Affected: yes.
Comment: In silico analysis supports that this missense variant has a deleterious effect on protein structure/function; Has not been previously published as pathogenic or benign to our knowledge